The following is an entry in ClinVar:

NM_000363.5(TNNI3):c.184G>T (p.Glu62Ter)

Gene: TNNI3 (troponin I3, cardiac type; minus strand). Cytogenetic location: 19q13.42.
Variant type: single nucleotide variant.
Coding change: c.184G>T on transcript NM_000363.5 (MANE Select); coding-DNA position 184, G replaced by T.
Protein change: p.Glu62Ter; replaces glutamic acid 62 with a stop codon.
Molecular consequence: nonsense.
Genome position (GRCh38, 1-based): chr19:55,156,299, C>A on the plus strand (G>T on the coding strand, the complement: TNNI3 is on the minus strand). VCF-style: chr19-55156299-C-A. GRCh37 (hg19) VCF-style: chr19-55667667-C-A.
Other names: short protein forms E62*.
Identifiers: ClinVar variation 3234113 (VCV003234113.2), dbSNP rs1357844466, ClinGen allele CA407441936.

ClinVar aggregate classification (germline): Conflicting classifications of pathogenicity. Review status: criteria provided, conflicting classifications (1 of 4 stars). 2 submissions from 2 submitters: Likely pathogenic (1); Uncertain significance (1). Last evaluated 2024-06-14.

Conditions:
Dilated cardiomyopathy 1FF (CMD1FF). Identifiers: Orphanet 154, MedGen C2750091, MONDO:0013211, OMIM 613286.
Dilated cardiomyopathy 2A (CMD2A). Also called: CARDIOMYOPATHY, CONGESTIVE, AUTOSOMAL RECESSIVE; CARDIOMYOPATHY, DILATED, AUTOSOMAL RECESSIVE. Identifiers: Orphanet 154, MedGen C2678474, MONDO:0012746, OMIM 611880.

Allele frequency attached by ClinVar (database versions not stated): TOPMed below 0.00001; gnomAD 0.00001.
gnomAD v4.1: 3 of 1,610,520 alleles (0.00019%); highest among the groups gnomAD compares: Non-Finnish European, 0.00025%; no homozygotes.

Submissions (2):

Institute of Immunology and Genetics Kaiserslautern
Classification: Likely pathogenic for Dilated cardiomyopathy 1FF; Dilated cardiomyopathy 2A. Last evaluated: 2024-06-14. Review status: criteria provided, single submitter. Criteria: ACMG Guidelines, 2015. Collection method: clinical testing. Allele origin: germline. Affected: yes.
Comment: ACMG Criteria: PVS1, PM2; Variant was found in heterozygous state.

MVZ Medizinische Genetik Mainz
Classification: Uncertain significance for Dilated cardiomyopathy 1FF. Last evaluated: 2023-04-13. Review status: criteria provided, single submitter. Criteria: UK Practice Guidelines For Variant Classification V4 01 2020. Collection method: clinical testing. Allele origin: germline. Inheritance: Autosomal dominant inheritance. Affected: yes. Observed: 1 variant allele.
Comment: ACMG Criteria: PM2_SUP,PP3